The following is an entry in ClinVar:

ClinVar aggregate classification (germline): Uncertain significance (1 of 4 stars; one submission).

gnomAD v4.1: 26 of 1,614,238 alleles (0.0016%); highest among the groups gnomAD compares: Admixed American, 0.043%; no homozygotes.

Submission:

Labcorp Genetics (formerly Invitae), Labcorp
Classification: Uncertain significance. Last evaluated: 2025-08-05. Review status: criteria provided, single submitter. Criteria: Invitae Variant Classification Sherloc (09022015). Collection method: clinical testing. Allele origin: germline.
Comment: This sequence change replaces proline, which is neutral and non-polar, with glutamine, which is neutral and polar, at codon 264 of the WNT4 protein (p.Pro264Gln). This variant is present in population databases (rs773876465, gnomAD 0.06%), and has an allele count higher than expected for a pathogenic variant. This variant has not been reported in the literature in individuals affected with WNT4-related conditions. Invitae Evidence Modeling of protein sequence and biophysical properties (such as structural, functional, and spatial information, amino acid conservation, physicochemical variation, residue mobility, and thermodynamic stability) indicates that this missense variant is not expected to disrupt WNT4 protein function with a negative predictive value of 80%. In summary, the available evidence is currently insufficient to determine the role of this variant in disease. Therefore, it has been classified as a Variant of Uncertain Significance.

NM_030761.5(WNT4):c.791C>A (p.Pro264Gln)

Gene: WNT4 (Wnt family member 4; minus strand). Cytogenetic location: 1p36.12.
Variant type: single nucleotide variant.
Coding change: c.791C>A on transcript NM_030761.5 (MANE Select); coding-DNA position 791, C replaced by A.
Protein change: p.Pro264Gln; replaces proline 264 with glutamine.
Molecular consequence: missense variant.
Genome position (GRCh38, 1-based): chr1:22,120,315, G>T on the plus strand (C>A on the coding strand, the complement: WNT4 is on the minus strand). VCF-style: chr1-22120315-G-T. GRCh37 (hg19) VCF-style: chr1-22446808-G-T.
Other names: short protein forms P264Q.
Identifiers: ClinVar variation 4776047 (VCV004776047.1).